The following is an entry in ClinVar:

NM_014425.5(INVS):c.2449dup (p.Glu817fs)

Gene: INVS (inversin; plus strand). Cytogenetic location: 9q31.1.
Variant type: Duplication.
Coding change: c.2449dup on transcript NM_014425.5 (MANE Select); coding-DNA position 2449, one base duplicated (G; older notation c.2449dupG).
Protein change: p.Glu817fs; shifts the reading frame from glutamic acid 817.
Molecular consequence: frameshift variant. On other transcripts: non-coding transcript variant (1).
Genome position (GRCh38, 1-based): chr9:100,292,706, G duplicated; the last of 6 consecutive G bases (chr9:100,292,701-100,292,706); duplicating any one gives the same sequence. VCF-style (leftmost placement, unchanged base first): chr9-100292700-C-CG. GRCh37 (hg19) VCF-style: chr9-103054982-C-CG.
Other names: c.2161dup, p.Glu721fs (NM_001318381.2); c.1471dup, p.Glu491fs (NM_001318382.2); short protein forms E491fs, E817fs, E721fs.
Identifiers: ClinVar variation 2793597 (VCV002793597.6), dbSNP rs752609119, ClinGen allele CA5158626.
Genomic context (GRCh38, chr9:100,292,700, plus strand): 5'-ACTCAAGAGCTCAGAGGAGGAAGGTGCTCTCCGGCTGGTTCTAGCCGCCCTGGCAGTGCC[C>CG]GGGGGGAGGCGGTCCATGCTGGGCAGAATCCTCCCCACCATCGTACACCAAGAAACAAAG-3'

ClinVar aggregate classification (germline): Pathogenic/Likely pathogenic. Review status: criteria provided, multiple submitters, no conflicts (2 of 4 stars). 3 submissions from 3 submitters: Pathogenic (1); Likely pathogenic (2). Last evaluated 2024-05-30.

Conditions:
Nephronophthisis. Also called: Juvenile Nephronophthisis. Identifiers: Orphanet 655, MedGen C0687120, MONDO:0019005, HP:0000090.
Infantile nephronophthisis (NPHP2). Also called: Nephronophthisis 2, infantile; Nephronophthisis 2. Identifiers: Orphanet 655, Orphanet 93591, MedGen C1865872, MONDO:0011190, OMIM 602088.

Submissions (3):

Fulgent Genetics
Classification: Likely pathogenic for Infantile nephronophthisis. Last evaluated: 2024-05-30. Review status: criteria provided, single submitter. Criteria: ACMG Guidelines, 2015. Collection method: clinical testing. Allele origin: germline.

Labcorp Genetics (formerly Invitae), Labcorp
Classification: Pathogenic for Nephronophthisis. Last evaluated: 2023-09-10. Review status: criteria provided, single submitter. Criteria: Invitae Variant Classification Sherloc (09022015). Collection method: clinical testing. Allele origin: germline.
Comment: For these reasons, this variant has been classified as Pathogenic. This variant has not been reported in the literature in individuals affected with INVS-related conditions. The frequency data for this variant in the population databases is considered unreliable, as metrics indicate poor data quality at this position in the gnomAD database. This sequence change creates a premature translational stop signal (p.Glu817Glyfs*44) in the INVS gene. It is expected to result in an absent or disrupted protein product. Loss-of-function variants in INVS are known to be pathogenic (PMID: 12872123).

Juno Genomics, Hangzhou Juno Genomics, Inc
Classification: Likely pathogenic for Infantile nephronophthisis. Review status: criteria provided, single submitter. Criteria: ACMG Guidelines, 2015. Collection method: clinical testing. Allele origin: germline.
Comment: Null variant in a gene where loss of function (LOF) is a known mechanism of disease.;Absent from controls (or at extremely low frequency if recessive) in Genome Aggregation Database.

Literature cited by the submitters: PubMed 12872123 (cited by Labcorp Genetics (formerly Invitae), Labcorp).